The following is an entry in ClinVar:

ClinVar aggregate classification (germline): Conflicting classifications of pathogenicity. Review status: criteria provided, conflicting classifications (1 of 4 stars). 2 submissions from 2 submitters: Uncertain significance (1); Likely benign (1). Last evaluated 2024-04-08.

Conditions:
Hereditary cancer-predisposing syndrome. Also called: Tumor predisposition; Hereditary Cancer Syndrome; Hereditary neoplastic syndrome; Neoplastic Syndromes, Hereditary. Identifiers: Orphanet 140162, MedGen C0027672, MeSH D009386, MONDO:0015356.
Hereditary breast ovarian cancer syndrome. Also called: Hereditary breast and ovarian cancer; BRCA1- and BRCA2-Associated Hereditary Breast and Ovarian Cancer; Hereditary breast and ovarian cancer syndrome; Hereditary breast and ovarian cancer syndrome (HBOC); Breast and ovarian cancer; Hereditary breast and/or ovarian cancer syndrome. Identifiers: Orphanet 145, MedGen C0677776, MeSH D061325, MONDO:0003582. Disease mechanism: loss of function.

Submissions (2):

Labcorp Genetics (formerly Invitae), Labcorp
Classification: Uncertain significance for Hereditary breast ovarian cancer syndrome. Last evaluated: 2024-04-08. Review status: criteria provided, single submitter. Criteria: Invitae Variant Classification Sherloc (09022015). Collection method: clinical testing. Allele origin: germline.
Comment: This sequence change replaces leucine, which is neutral and non-polar, with phenylalanine, which is neutral and non-polar, at codon 734 of the BRCA2 protein (p.Leu734Phe). This variant is not present in population databases (gnomAD no frequency). This missense change has been observed in individual(s) with breast cancer (PMID: 27124784). ClinVar contains an entry for this variant (Variation ID: 1479785). Advanced modeling of protein sequence and biophysical properties (such as structural, functional, and spatial information, amino acid conservation, physicochemical variation, residue mobility, and thermodynamic stability) performed at Invitae indicates that this missense variant is not expected to disrupt BRCA2 protein function with a negative predictive value of 95%. In summary, the available evidence is currently insufficient to determine the role of this variant in disease. Therefore, it has been classified as a Variant of Uncertain Significance.

University of Washington Department of Laboratory Medicine, University of Washington
Classification: Likely benign for Hereditary cancer-predisposing syndrome. Last evaluated: 2023-03-23. Review status: criteria provided, single submitter. Criteria: Dines et al. (Genet Med. 2020). Collection method: curation. Allele origin: germline.
Comment: Missense variant in a coldspot region where missense variants are very unlikely to be pathogenic (PMID:31911673).

BRCA2 exon 11 coldspot. Reclassification based on statistical prior probability.

Literature cited by the submitters: PubMed 27124784 (cited by Labcorp Genetics (formerly Invitae), Labcorp).

NM_000059.4(BRCA2):c.2202G>T (p.Leu734Phe)

Gene: BRCA2 (BRCA2 DNA repair associated; plus strand). Cytogenetic location: 13q13.1.
Variant type: single nucleotide variant.
Coding change: c.2202G>T on transcript NM_000059.4 (MANE Select); coding-DNA position 2202, G replaced by T.
Protein change: p.Leu734Phe; replaces leucine 734 with phenylalanine.
Molecular consequence: missense variant.
Genome position (GRCh38, 1-based): chr13:32,336,557, G>T. VCF-style: chr13-32336557-G-T. GRCh37 (hg19) VCF-style: chr13-32910694-G-T.
Other names: short protein forms L734F.
Identifiers: ClinVar variation 1479785 (VCV001479785.9), dbSNP rs2137484178, ClinGen allele CA387770514.